The following is an entry in ClinVar:

ClinVar aggregate classification (germline): Conflicting classifications of pathogenicity. Review status: criteria provided, conflicting classifications (1 of 4 stars). 3 submissions from 3 submitters: Uncertain significance (2); Likely benign (1). Last evaluated 2025-11-30.

Conditions:
EGFR-related disorder. Also called: EGFR-related condition.
EGFR-related lung cancer (EGFR). Identifiers: MedGen CN130014.
Hereditary cancer-predisposing syndrome. Also called: Tumor predisposition; Hereditary neoplastic syndrome; Neoplastic Syndromes, Hereditary; Hereditary Cancer Syndrome. Identifiers: Orphanet 140162, MedGen C0027672, MeSH D009386, MONDO:0015356.

Allele frequency attached by ClinVar (database versions not stated): ExAC 0.00001; gnomAD exomes 0.00001; TOPMed 0.00001; ESP Exome Variant Server 0.00015.
gnomAD v4.1: 23 of 1,614,176 alleles (0.0014%); highest among the groups gnomAD compares: Non-Finnish European, 0.0018%; no homozygotes.

Submissions (3):

Labcorp Genetics (formerly Invitae), Labcorp
Classification: Uncertain significance for EGFR-related lung cancer. Last evaluated: 2025-11-30. Review status: criteria provided, single submitter. Criteria: Invitae Variant Classification Sherloc (09022015). Collection method: clinical testing. Allele origin: germline.
Comment: This sequence change replaces arginine, which is basic and polar, with glutamine, which is neutral and polar, at codon 574 of the EGFR protein (p.Arg574Gln). This variant is present in population databases (rs370810719, gnomAD 0.0009%). This variant has not been reported in the literature in individuals affected with EGFR-related conditions. ClinVar contains an entry for this variant (Variation ID: 845247). An algorithm developed to predict the effect of missense changes on protein structure and function outputs the following: PolyPhen-2: "Benign". The glutamine amino acid residue is found in multiple mammalian species, which suggests that this missense change does not adversely affect protein function. In summary, the available evidence is currently insufficient to determine the role of this variant in disease. Therefore, it has been classified as a Variant of Uncertain Significance.

Ambry Genetics
Classification: Likely benign for Hereditary cancer-predisposing syndrome. Last evaluated: 2025-04-16. Review status: criteria provided, single submitter. Criteria: Ambry Variant Classification Scheme 2023. Collection method: clinical testing. Allele origin: germline.

PreventionGenetics, part of Exact Sciences
Classification: Uncertain significance for EGFR-related condition. Last evaluated: 2023-08-18. Review status: criteria provided, single submitter. Criteria: ACMG Guidelines, 2015. Collection method: clinical testing. Allele origin: germline.
Comment: The EGFR c.1721G>A variant is predicted to result in the amino acid substitution p.Arg574Gln. To our knowledge, this variant has not been reported in the literature. This variant is reported in 0.0018% of alleles in individuals of European (Non-Finnish) descent in gnomAD. At this time, the clinical significance of this variant is uncertain due to the absence of conclusive functional and genetic evidence.

NM_005228.5(EGFR):c.1721G>A (p.Arg574Gln)

Gene: EGFR (epidermal growth factor receptor; plus strand). Cytogenetic location: 7p11.2.
Variant type: single nucleotide variant.
Coding change: c.1721G>A on transcript NM_005228.5 (MANE Select); coding-DNA position 1721, G replaced by A.
Protein change: p.Arg574Gln; replaces arginine 574 with glutamine.
Molecular consequence: missense variant.
Genome position (GRCh38, 1-based): chr7:55,163,822, G>A. VCF-style: chr7-55163822-G-A. GRCh37 (hg19) VCF-style: chr7-55231515-G-A.
Other names: c.1586G>A, p.Arg529Gln (NM_001346897.2, NM_001346899.2); c.1721G>A, p.Arg574Gln (NM_001346898.2, NM_201282.2, NM_201284.2); c.1562G>A, p.Arg521Gln (NM_001346900.2); c.920G>A, p.Arg307Gln (NM_001346941.2); c.1721G>A (NM_005228.4); short protein forms R307Q, R521Q, R529Q, R574Q.
Identifiers: ClinVar variation 845247 (VCV000845247.9), dbSNP rs370810719, ClinGen allele CA4265665.